The following is an entry in ClinVar:

NM_014014.5(SNRNP200):c.3078C>T (p.Asn1026=)

Gene: SNRNP200 (small nuclear ribonucleoprotein U5 subunit 200; minus strand). Cytogenetic location: 2q11.2.
Variant type: single nucleotide variant.
Coding change: c.3078C>T on transcript NM_014014.5 (MANE Select); coding-DNA position 3078, C replaced by T.
Protein change: p.Asn1026=; no amino-acid change (asparagine 1026 retained).
Molecular consequence: synonymous variant.
Genome position (GRCh38, 1-based): chr2:96,289,242, G>A on the plus strand (C>T on the coding strand, the complement: SNRNP200 is on the minus strand). VCF-style: chr2-96289242-G-A. GRCh37 (hg19) VCF-style: chr2-96954980-G-A.
Other names: c.3078C>T (NM_014014.4).
Identifiers: ClinVar variation 1100468 (VCV001100468.10), dbSNP rs146778360, ClinGen allele CA1778568.

ClinVar aggregate classification (germline): Likely benign. Review status: criteria provided, multiple submitters, no conflicts (2 of 4 stars). 2 submissions from 2 submitters: Likely benign (2). Last evaluated 2025-10-27.

Conditions:
SNRNP200-related disorder. Also called: SNRNP200-related condition.

Allele frequency attached by ClinVar (database versions not stated): gnomAD exomes 0.00001 and 0.00002; ExAC 0.00002; gnomAD 0.00005; TOPMed 0.00008; ESP Exome Variant Server 0.00023.
gnomAD v4.1: 13 of 1,614,106 alleles (0.00081%); highest among the groups gnomAD compares: African/African-American, 0.017%; no homozygotes.

Submissions (2):

PreventionGenetics, part of Exact Sciences
Classification: Likely benign for SNRNP200-related condition. Last evaluated: 2025-10-27. Review status: criteria provided, single submitter. Criteria: ACMG Guidelines, 2015. Collection method: clinical testing. Allele origin: germline.
Comment: This variant is classified as likely benign based on ACMG/AMP sequence variant interpretation guidelines (Richards et al. 2015 PMID: 25741868, with internal and published modifications).

Labcorp Genetics (formerly Invitae), Labcorp
Classification: Likely benign. Last evaluated: 2022-09-06. Review status: criteria provided, single submitter. Criteria: Invitae Variant Classification Sherloc (09022015). Collection method: clinical testing. Allele origin: germline.